The following is an entry in ClinVar:

ClinVar aggregate classification (germline): Uncertain significance. Review status: criteria provided, multiple submitters, no conflicts (2 of 4 stars). 2 submissions from 2 submitters: Uncertain significance (2). Last evaluated 2025-12-09.

Conditions:
Ritscher-Schinzel syndrome. Also called: CRANIOCEREBELLOCARDIAC DYSPLASIA. Identifiers: Orphanet 7, MedGen C0796137, MONDO:0019078.
Hereditary spastic paraplegia 8 (SPG8). Also called: SPASTIC PARAPLEGIA 8, AUTOSOMAL DOMINANT. Identifiers: Orphanet 100989, MedGen C1863704, MONDO:0011339, OMIM 603563.

gnomAD v4.1: 20 of 1,613,816 alleles (0.0012%); highest among the groups gnomAD compares: East Asian, 0.0022%; no homozygotes.

Submissions (2):

Women's Health and Genetics/Laboratory Corporation of America, LabCorp
Classification: Uncertain significance. Last evaluated: 2025-12-09. Review status: criteria provided, single submitter. Criteria: LabCorp Variant Classification Summary - May 2015. Collection method: clinical testing. Allele origin: germline.
Comment: Variant summary: WASHC5 c.2488C>T (p.Arg830Trp) results in a non-conservative amino acid change in the encoded protein sequence. Algorithms developed to predict the effect of missense changes on protein structure and function all suggest that this variant is likely to be disruptive. The variant allele was found at a frequency of 8e-06 in 251268 control chromosomes. The available data on variant occurrences in the general population are insufficient to allow any conclusion about variant significance. To our knowledge, no occurrence of c.2488C>T in individuals affected with WASHC5-related conditions and no experimental evidence demonstrating its impact on protein function have been reported. No submitters have cited clinical-significance assessments for this variant to ClinVar. Based on the evidence outlined above, the variant was classified as uncertain significance.

Labcorp Genetics (formerly Invitae), Labcorp
Classification: Uncertain significance for Ritscher-Schinzel syndrome; Hereditary spastic paraplegia 8. Last evaluated: 2025-03-04. Review status: criteria provided, single submitter. Criteria: Invitae Variant Classification Sherloc (09022015). Collection method: clinical testing. Allele origin: germline.
Comment: This sequence change replaces arginine, which is basic and polar, with tryptophan, which is neutral and slightly polar, at codon 830 of the WASHC5 protein (p.Arg830Trp). This variant is present in population databases (rs772770553, gnomAD 0.002%). This variant has not been reported in the literature in individuals affected with WASHC5-related conditions. Invitae Evidence Modeling of protein sequence and biophysical properties (such as structural, functional, and spatial information, amino acid conservation, physicochemical variation, residue mobility, and thermodynamic stability) indicates that this missense variant is expected to disrupt WASHC5 protein function with a positive predictive value of 80%. This variant disrupts the p.Arg830 amino acid residue in WASHC5. Other variant(s) that disrupt this residue have been determined to be pathogenic (PMID: 36130690). This suggests that this residue is clinically significant, and that variants that disrupt this residue are likely to be disease-causing. In summary, the available evidence is currently insufficient to determine the role of this variant in disease. Therefore, it has been classified as a Variant of Uncertain Significance.

Literature cited by the submitters: PubMed 36130690 (cited by Labcorp Genetics (formerly Invitae), Labcorp).

NM_014846.4(WASHC5):c.2488C>T (p.Arg830Trp)

Gene: WASHC5 (WASH complex subunit 5; minus strand). Cytogenetic location: 8q24.13.
Variant type: single nucleotide variant.
Coding change: c.2488C>T on transcript NM_014846.4 (MANE Select); coding-DNA position 2488, C replaced by T.
Protein change: p.Arg830Trp; replaces arginine 830 with tryptophan.
Molecular consequence: missense variant.
Genome position (GRCh38, 1-based): chr8:125,047,223, G>A on the plus strand (C>T on the coding strand, the complement: WASHC5 is on the minus strand). VCF-style: chr8-125047223-G-A. GRCh37 (hg19) VCF-style: chr8-126059465-G-A.
Other names: c.2044C>T, p.Arg682Trp (NM_001330609.2); short protein forms R682W, R830W.
Identifiers: ClinVar variation 4688448 (VCV004688448.2).
Genomic context (GRCh38, chr8:125,047,223, plus strand): 5'-CTGCCTGCAGTATTCAGGGCTCTGTAGAATTCAGGTACACCTACTTTGGGTCTGTGATCC[G>A]CAGGATTTCTCTGCAGAGTCGACCAATAAACGTTACAGACTCATCCACAGGGGTAAACTT-3'
Protein context (NP_055661.3, residues 820-840): FIGRLCREIL[Arg830Trp]ITDPKMTCHI